The following is an entry in ClinVar:

ClinVar aggregate classification (germline): Uncertain significance (1 of 4 stars; one submission).

Submission:

GeneDx
Classification: Uncertain significance. Last evaluated: 2024-01-17. Review status: criteria provided, single submitter. Criteria: GeneDx Variant Classification Process June 2021. Collection method: clinical testing. Allele origin: germline. Affected: yes.
Comment: Not observed at significant frequency in large population cohorts (gnomAD); In silico analysis supports that this missense variant has a deleterious effect on protein structure/function; Has not been previously published as pathogenic or benign to our knowledge

NM_000474.4(TWIST1):c.342C>G (p.Asn114Lys)

Gene: TWIST1 (twist family bHLH transcription factor 1; minus strand). Cytogenetic location: 7p21.1.
Variant type: single nucleotide variant.
Coding change: c.342C>G on transcript NM_000474.4 (MANE Select); coding-DNA position 342, C replaced by G.
Protein change: p.Asn114Lys; replaces asparagine 114 with lysine.
Molecular consequence: missense variant. On other transcripts: non-coding transcript variant (1).
Genome position (GRCh38, 1-based): chr7:19,116,980, G>C on the plus strand (C>G on the coding strand, the complement: TWIST1 is on the minus strand). VCF-style: chr7-19116980-G-C. GRCh37 (hg19) VCF-style: chr7-19156603-G-C.
Other names: short protein forms N114K.
Identifiers: ClinVar variation 3368071 (VCV003368071.1).